The following is an entry in ClinVar:

NM_201384.3(PLEC):c.2834G>A (p.Gly945Asp)

Gene: PLEC (plectin; minus strand). Cytogenetic location: 8q24.3.
Variant type: single nucleotide variant.
Coding change: c.2834G>A on transcript NM_201384.3 (MANE Select); coding-DNA position 2834, G replaced by A.
Protein change: p.Gly945Asp; replaces glycine 945 with aspartic acid.
Molecular consequence: missense variant.
Genome position (GRCh38, 1-based): chr8:143,929,735, C>T on the plus strand (G>A on the coding strand, the complement: PLEC is on the minus strand). VCF-style: chr8-143929735-C-T. GRCh37 (hg19) VCF-style: chr8-145003903-C-T.
Other names: c.2915G>A, p.Gly972Asp (NM_000445.5); c.2792G>A, p.Gly931Asp (NM_201378.4); c.2768G>A, p.Gly923Asp (NM_201379.3); c.3245G>A, p.Gly1082Asp (NM_201380.4); c.2738G>A, p.Gly913Asp (NM_201381.3); c.2834G>A, p.Gly945Asp (NM_201382.4); c.2846G>A, p.Gly949Asp (NM_201383.3); short protein forms G913D, G949D, G923D, G945D, G972D, G1082D, G931D.
Identifiers: ClinVar variation 652302 (VCV000652302.6), dbSNP rs782237945, ClinGen allele CA4927329.

ClinVar aggregate classification (germline): Uncertain significance (1 of 4 stars; one submission).

Conditions:
Epidermolysis bullosa simplex, Ogna type (EBS5A). Also called: Pidermolysis bullosa simplex 5A, Ogna type; EPIDERMOLYSIS BULLOSA SIMPLEX 5A, OGNA TYPE. Identifiers: Orphanet 79401, MedGen C0432317, MONDO:0007555, OMIM 131950.
Epidermolysis bullosa simplex 5C, with pyloric atresia (EBS5C). Also called: Epidermolysis bullosa simplex with pyloric atresia; PLEC-Related Epidermolysis Bullosa with Pyloric Atresia; PLEC1-Related Epidermolysis Bullosa with Pyloric Atresia. Identifiers: Orphanet 158684, MedGen C2677349, MONDO:0012807, OMIM 612138.
Epidermolysis bullosa simplex with nail dystrophy (EBS5D). Identifiers: MedGen C4225309, MONDO:0014661, OMIM 616487.
Epidermolysis bullosa simplex 5B, with muscular dystrophy (EBS5B). Also called: EPIDERMOLYSIS BULLOSA SIMPLEX AND LIMB-GIRDLE MUSCULAR DYSTROPHY; Epidermolysis bullosa simplex with muscular dystrophy. Identifiers: Orphanet 257, MedGen C2931072, MONDO:0009181, OMIM 226670.
Autosomal recessive limb-girdle muscular dystrophy type 2Q (LGMDR17). Also called: MUSCULAR DYSTROPHY, LIMB-GIRDLE, AUTOSOMAL RECESSIVE 17. Identifiers: Orphanet 254361, MedGen C3150989, MONDO:0013390, OMIM 613723.

Allele frequency attached by ClinVar (database versions not stated): ExAC 0.00001; gnomAD exomes 0.00001.
gnomAD v4.1: 5 of 1,599,192 alleles (0.00031%); highest among the groups gnomAD compares: South Asian, 0.0044%; no homozygotes.

Submission:

Labcorp Genetics (formerly Invitae), Labcorp
Classification: Uncertain significance for Autosomal recessive limb-girdle muscular dystrophy type 2Q; Epidermolysis bullosa simplex, Ogna type; Epidermolysis bullosa simplex with nail dystrophy; Epidermolysis bullosa simplex 5C, with pyloric atresia; Epidermolysis bullosa simplex 5B, with muscular dystrophy. Last evaluated: 2018-10-02. Review status: criteria provided, single submitter. Criteria: Invitae Variant Classification Sherloc (09022015). Collection method: clinical testing. Allele origin: germline.
Comment: In summary, the available evidence is currently insufficient to determine the role of this variant in disease. Therefore, it has been classified as a Variant of Uncertain Significance. This sequence change replaces glycine with aspartic acid at codon 972 of the PLEC protein (p.Gly972Asp). The glycine residue is moderately conserved and there is a moderate physicochemical difference between glycine and aspartic acid. This variant is present in population databases (rs782237945, ExAC 0.006%). This variant has not been reported in the literature in individuals with PLEC-related disease. Algorithms developed to predict the effect of missense changes on protein structure and function (SIFT, PolyPhen-2, Align-GVGD) all suggest that this variant is likely to be tolerated, but these predictions have not been confirmed by published functional studies and their clinical significance is uncertain.